The following is an entry in ClinVar:

ClinVar aggregate classification (germline): Conflicting classifications of pathogenicity. Review status: criteria provided, conflicting classifications (1 of 4 stars). 3 submissions from 3 submitters: Uncertain significance (1); Likely benign (2). Last evaluated 2026-01-26.

Conditions:
Inborn genetic diseases. Identifiers: MedGen C0950123, MeSH D030342.

Allele frequency attached by ClinVar (database versions not stated): 1000 Genomes Project 0.00020; 1000 Genomes Project 30x 0.00016; gnomAD exomes 0.00042; TOPMed 0.00044; ExAC 0.00049; gnomAD 0.00053; ESP Exome Variant Server 0.00054.
gnomAD v4.1: 693 of 1,613,974 alleles (0.043%); highest among the groups gnomAD compares: Non-Finnish European, 0.052%; 2 homozygotes.

Submissions (3):

Labcorp Genetics (formerly Invitae), Labcorp
Classification: Likely benign. Last evaluated: 2026-01-26. Review status: criteria provided, single submitter. Criteria: Invitae Variant Classification Sherloc (09022015). Collection method: clinical testing. Allele origin: germline.

CeGaT Center for Human Genetics Tuebingen
Classification: Likely benign. Last evaluated: 2025-10-01. Review status: criteria provided, single submitter. Criteria: CeGaT Center For Human Genetics Tuebingen Variant Classification Criteria Version 2. Collection method: clinical testing. Allele origin: germline. Affected: yes. Observed: 5 variant alleles.
Comment: LONP1: BP4

Ambry Genetics
Classification: Uncertain significance for Inborn genetic diseases. Last evaluated: 2021-06-25. Review status: criteria provided, single submitter. Criteria: Ambry Variant Classification Scheme 2023. Collection method: clinical testing. Allele origin: germline.

NM_004793.4(LONP1):c.2836G>A (p.Ala946Thr)

Gene: LONP1 (lon peptidase 1, mitochondrial; minus strand). Cytogenetic location: 19p13.3.
Variant type: single nucleotide variant.
Coding change: c.2836G>A on transcript NM_004793.4 (MANE Select); coding-DNA position 2836, G replaced by A.
Protein change: p.Ala946Thr; replaces alanine 946 with threonine.
Molecular consequence: missense variant. On other transcripts: non-coding transcript variant (1).
Genome position (GRCh38, 1-based): chr19:5,692,076, C>T on the plus strand (G>A on the coding strand, the complement: LONP1 is on the minus strand). VCF-style: chr19-5692076-C-T. GRCh37 (hg19) VCF-style: chr19-5692087-C-T.
Other names: c.2644G>A, p.Ala882Thr (NM_001276479.2); c.2248G>A, p.Ala750Thr (NM_001276480.1); short protein forms A882T, A946T, A750T.
Identifiers: ClinVar variation 2061049 (VCV002061049.29), dbSNP rs142068825, ClinGen allele CA9113935.